The following is an entry in ClinVar:

NM_001848.3(COL6A1):c.1724dup (p.Pro576fs)

Gene: COL6A1 (collagen type VI alpha 1 chain; plus strand). Cytogenetic location: 21q22.3.
Variant type: Duplication.
Coding change: c.1724dup on transcript NM_001848.3 (MANE Select); coding-DNA position 1724, one base duplicated (G; older notation c.1724dupG).
Protein change: p.Pro576fs; shifts the reading frame from proline 576.
Molecular consequence: frameshift variant.
Genome position (GRCh38, 1-based): chr21:45,999,202, G duplicated; the last of 4 consecutive G bases (chr21:45,999,199-45,999,202); duplicating any one gives the same sequence. VCF-style (leftmost placement, unchanged base first): chr21-45999198-C-CG. GRCh37 (hg19) VCF-style: chr21-47419112-C-CG.
Other names: short protein forms P576fs.
Identifiers: ClinVar variation 935163 (VCV000935163.3), dbSNP rs2077824006, ClinGen allele CA1139666911.

ClinVar aggregate classification (germline): Pathogenic (1 of 4 stars; one submission).

Conditions:
Bethlem myopathy 1A. Also called: Bethlem Muscular Dystrophy; MYOPATHY, BENIGN CONGENITAL, WITH CONTRACTURES; Bethlem myopathy 1. Identifiers: Orphanet 610, MedGen CN029274, MONDO:0024530, OMIM 158810.

Submission:

Labcorp Genetics (formerly Invitae), Labcorp
Classification: Pathogenic for Bethlem myopathy 1A. Last evaluated: 2019-07-24. Review status: criteria provided, single submitter. Criteria: Invitae Variant Classification Sherloc (09022015). Collection method: clinical testing. Allele origin: germline.
Comment: This sequence change creates a premature translational stop signal (p.Pro576Serfs*33) in the COL6A1 gene. It is expected to result in an absent or disrupted protein product. This variant is not present in population databases (ExAC no frequency). This variant has not been reported in the literature in individuals with COL6A1-related conditions. Loss-of-function variants in COL6A1 are known to be pathogenic (PMID: 19884007, 20976770). For these reasons, this variant has been classified as Pathogenic.

Literature cited by the submitters: PubMed 19884007; PubMed 20976770.